The following is an entry in ClinVar:

ClinVar aggregate classification (germline): Likely pathogenic. Review status: criteria provided, multiple submitters, no conflicts (2 of 4 stars). 3 submissions from 3 submitters: Likely pathogenic (3). Last evaluated 2024-03-26.

Conditions:
Microcephaly, normal intelligence and immunodeficiency (NBS). Also called: BERLIN BREAKAGE SYNDROME; IMMUNODEFICIENCY, MICROCEPHALY, AND CHROMOSOMAL INSTABILITY; Microcephaly with normal intelligence immunodeficiency and lymphoreticular malignancies; Nonsyndromal microcephaly autosomal recessive with normal intelligence; Seemanova syndrome 2; SEEMANOVA SYNDROME II. Identifiers: Orphanet 647, MedGen C0398791, MONDO:0009623, OMIM 251260.

Submissions (3):

Genomic Medicine Center of Excellence, King Faisal Specialist Hospital and Research Centre
Classification: Likely pathogenic for Microcephaly, normal intelligence and immunodeficiency. Last evaluated: 2024-03-26. Review status: criteria provided, single submitter. Criteria: ACMG Guidelines, 2015. Collection method: clinical testing. Allele origin: germline.

GeneDx
Classification: Likely pathogenic. Last evaluated: 2021-11-11. Review status: criteria provided, single submitter. Criteria: GeneDx Variant Classification Process June 2021. Collection method: clinical testing. Allele origin: germline. Affected: yes.
Comment: Frameshift variant predicted to result in protein truncation or nonsense mediated decay in a gene for which loss-of-function is a known mechanism of disease; Not observed at significant frequency in large population cohorts (Lek et al., 2016); Has not been previously published as pathogenic or benign to our knowledge

Pathology and Clinical Laboratory Medicine, King Fahad Medical City
Classification: Likely pathogenic for Microcephaly, normal intelligence and immunodeficiency. Review status: criteria provided, single submitter. Criteria: ACMG Guidelines, 2015. Collection method: clinical testing. Allele origin: germline. Affected: yes. Observed: 2 variant alleles.

NM_002485.5(NBN):c.589del (p.Tyr197fs)

Gene: NBN (nibrin; minus strand). Cytogenetic location: 8q21.3.
Variant type: Deletion.
Coding change: c.589del on transcript NM_002485.5 (MANE Select); coding-DNA position 589, one base deleted (T; older notation c.589delT).
Protein change: p.Tyr197fs; shifts the reading frame from tyrosine 197.
Molecular consequence: frameshift variant.
Genome position (GRCh38, 1-based): chr8:89,971,286, A deleted on the plus strand (T on the coding strand, the reverse complement: NBN is on the minus strand); the first of 5 consecutive A bases (chr8:89,971,286-89,971,290); deleting any one gives the same sequence. VCF-style (leftmost placement, unchanged base first): chr8-89971285-TA-T. GRCh37 (hg19) VCF-style: chr8-90983513-TA-T.
Other names: c.343del, p.Tyr115fs (NM_001024688.3); short protein forms Y115fs, Y197fs.
Identifiers: ClinVar variation 1214172 (VCV001214172.7), dbSNP rs1586088924, ClinGen allele CA2499219442.